The following is an entry in ClinVar:

ClinVar aggregate classification (germline): Conflicting classifications of pathogenicity. Review status: criteria provided, conflicting classifications (1 of 4 stars). 2 submissions from 2 submitters: Likely pathogenic (1); Uncertain significance (1). Last evaluated 2026-01-26.

Conditions:
Angelman syndrome (AS). Also called: HAPPY PUPPET SYNDROME. Identifiers: Orphanet 72, MedGen C0162635, MONDO:0007113, OMIM 105830. Disease mechanism: loss of function. Inheritance: AS is caused by disruption of maternally imprinted UBE3A located within the 15q11.2-q13 Angelman syndrome/Prader-Willi syndrome (AS/PWS) region., imprinting disorder.

Submissions (2):

3billion
Classification: Uncertain significance for Angelman syndrome. Last evaluated: 2026-01-26. Review status: criteria provided, single submitter. Criteria: ACMG Guidelines, 2015. Collection method: clinical testing. Allele origin: germline. Affected: yes.
Comment: The variant is not observed in the gnomAD v4.1.0 dataset. Predicted Consequence/Location: Missense variant In silico tool predictions suggest damaging effect of the variant on gene or gene product [REVEL: 0.95 (>=0.6, sensitivity 0.68 and specificity 0.92); 3Cnet: 0.99 (> 0.75, sensitivity 0.96 and precision 0.92)]. The same nucleotide change resulting in the same amino acid change has been previously reported to be associated with UBE3A-related disorder (ClinVar ID: VCV000559871). However, the evidence of pathogenicity is insufficient at this time. A different missense change at the same codon (p.Gly566Cys) has been reported to be associated with UBE3A-related disorder (ClinVar ID: VCV003340255). Therefore, this variant is classified as VUS according to the recommendation of ACMG/AMP guideline.

Equipe Genetique des Anomalies du Developpement, Université de Bourgogne
Classification: Likely pathogenic for Angelman syndrome. Last evaluated: 2017-08-11. Review status: criteria provided, single submitter. Criteria: ACMG Guidelines, 2015. Collection method: clinical testing. Allele origin: unknown. Affected: yes. Study: Clinvar_gadteam_Clinical_exome_analysis_3.

NM_130839.5(UBE3A):c.1696G>A (p.Gly566Ser)

Genes: SNHG14 (small nucleolar RNA host gene 14; plus strand), UBE3A (ubiquitin protein ligase E3A; minus strand). Cytogenetic location: 15q11.2.
Variant type: single nucleotide variant.
Coding change: c.1696G>A on transcript NM_130839.5 (MANE Select); coding-DNA position 1696, G replaced by A.
Protein change: p.Gly566Ser; replaces glycine 566 with serine.
Molecular consequence: missense variant. On other transcripts: non-coding transcript variant (1).
Genome position (GRCh38, 1-based): chr15:25,360,440, C>T on the plus strand (G>A on the coding strand, the complement: UBE3A is on the minus strand). VCF-style: chr15-25360440-C-T. GRCh37 (hg19) VCF-style: chr15-25605587-C-T.
Other names: c.1705G>A, p.Gly569Ser (NM_000462.5); c.1696G>A, p.Gly566Ser (NM_001354505.1, NM_001354538.2, NM_001354545.2); c.1636G>A, p.Gly546Ser (NM_001354506.2, NM_001354507.2, NM_001354508.2 and 17 more transcripts); c.1519G>A, p.Gly507Ser (NM_001354546.2); c.445G>A, p.Gly149Ser (NM_001354550.2); c.385G>A, p.Gly129Ser (NM_001354551.2); c.1636G>A (LRG_15t1); short protein forms G546S, G149S, G507S, G566S, G129S, G569S.
Identifiers: ClinVar variation 559871 (VCV000559871.2), dbSNP rs1555393242, ClinGen allele CA391352984.